The following is an entry in ClinVar:

ClinVar aggregate classification (germline): Likely benign (0 of 4 stars; one submission).

Conditions:
NCOR2-related disorder. Also called: NCOR2-related condition.

Allele frequency attached by ClinVar (database versions not stated): ExAC 0.00002; TOPMed 0.00003; gnomAD 0.00008.
gnomAD v4.1: 80 of 1,613,634 alleles (0.005%); highest among the groups gnomAD compares: Non-Finnish European, 0.0061%; no homozygotes.

Submission:

PreventionGenetics, part of Exact Sciences
Classification: Likely benign for NCOR2-related condition. Last evaluated: 2019-03-25. Review status: no assertion criteria provided. Collection method: clinical testing. Allele origin: germline.
Comment: This variant is classified as likely benign based on ACMG/AMP sequence variant interpretation guidelines (Richards et al. 2015 PMID: 25741868, with internal and published modifications).

NM_006312.6(NCOR2):c.3756G>A (p.Pro1252=)

Gene: NCOR2 (nuclear receptor corepressor 2; minus strand). Cytogenetic location: 12q24.31.
Variant type: single nucleotide variant.
Coding change: c.3756G>A on transcript NM_006312.6 (MANE Select); coding-DNA position 3756, G replaced by A.
Protein change: p.Pro1252=; no amino-acid change (proline 1252 retained).
Molecular consequence: synonymous variant.
Genome position (GRCh38, 1-based): chr12:124,350,675, C>T on the plus strand (G>A on the coding strand, the complement: NCOR2 is on the minus strand). VCF-style: chr12-124350675-C-T. GRCh37 (hg19) VCF-style: chr12-124835221-C-T.
Other names: c.3726G>A, p.Pro1242= (NM_001077261.4, NM_001206654.2).
Identifiers: ClinVar variation 3058757 (VCV003058757.2), dbSNP rs748022862, ClinGen allele CA6868510.